The following is an entry in ClinVar:

ClinVar aggregate classification (germline): Uncertain significance. Review status: criteria provided, multiple submitters, no conflicts (2 of 4 stars). 3 submissions from 3 submitters: Uncertain significance (3). Last evaluated 2025-05-25.

Conditions:
Chédiak-Higashi syndrome (CHS). Also called: Chediak-Higashi Syndrome. Identifiers: Orphanet 167, MedGen C0007965, MONDO:0008963, OMIM 214500.

Allele frequency attached by ClinVar (database versions not stated): gnomAD 0.00007; TOPMed 0.00019.
gnomAD v4.1: 46 of 1,613,842 alleles (0.0029%); highest among the groups gnomAD compares: Admixed American, 0.02%; no homozygotes.

Submissions (3):

Mayo Clinic Laboratories, Mayo Clinic
Classification: Uncertain significance. Last evaluated: 2025-05-25. Review status: criteria provided, single submitter. Criteria: ACMG Guidelines, 2015. Collection method: clinical testing. Allele origin: germline. Observed: 1 variant allele.
Comment: BP4_moderate

Labcorp Genetics (formerly Invitae), Labcorp
Classification: Uncertain significance for Chédiak-Higashi syndrome. Last evaluated: 2024-12-16. Review status: criteria provided, single submitter. Criteria: Invitae Variant Classification Sherloc (09022015). Collection method: clinical testing. Allele origin: germline.
Comment: This sequence change replaces tyrosine, which is neutral and polar, with cysteine, which is neutral and slightly polar, at codon 542 of the LYST protein (p.Tyr542Cys). This variant is present in population databases (rs748933093, gnomAD 0.003%). This variant has not been reported in the literature in individuals affected with LYST-related conditions. ClinVar contains an entry for this variant (Variation ID: 1384878). Invitae Evidence Modeling of protein sequence and biophysical properties (such as structural, functional, and spatial information, amino acid conservation, physicochemical variation, residue mobility, and thermodynamic stability) indicates that this missense variant is not expected to disrupt LYST protein function with a negative predictive value of 80%. In summary, the available evidence is currently insufficient to determine the role of this variant in disease. Therefore, it has been classified as a Variant of Uncertain Significance.

Revvity Omics, Revvity
Classification: Uncertain significance for Chédiak-Higashi syndrome. Last evaluated: 2019-06-27. Review status: criteria provided, single submitter. Criteria: ACMG Guidelines, 2015. Collection method: clinical testing. Allele origin: germline.

NM_000081.4(LYST):c.1625A>G (p.Tyr542Cys)

Gene: LYST (lysosomal trafficking regulator; minus strand). Cytogenetic location: 1q42.3.
Variant type: single nucleotide variant.
Coding change: c.1625A>G on transcript NM_000081.4 (MANE Select); coding-DNA position 1625, A replaced by G.
Protein change: p.Tyr542Cys; replaces tyrosine 542 with cysteine.
Molecular consequence: missense variant.
Genome position (GRCh38, 1-based): chr1:235,809,193, T>C on the plus strand (A>G on the coding strand, the complement: LYST is on the minus strand). VCF-style: chr1-235809193-T-C. GRCh37 (hg19) VCF-style: chr1-235972493-T-C.
Other names: p.Tyr542Cys; c.1625A>G, p.Tyr542Cys (NM_001301365.1); short protein forms Y542C.
Identifiers: ClinVar variation 1384878 (VCV001384878.7), dbSNP rs748933093, ClinGen allele CA39617899.
Genomic context (GRCh38, chr1:235,809,193, plus strand): 5'-TGTAGTAAGCGCAAGCACTGATGGGCACACACTGCAATGCAACAGCACCGCTCAGGATAA[T>C]AAACATCTCCATCTGCAGTCTCTTCAAATGGGTTTTTGGAAACCTGGTTTTTAAAAGCCG-3'
Protein context (NP_000072.2, residues 532-552): PFEETADGDV[Tyr542Cys]YPERCCCIAV